The following is an entry in ClinVar:

ClinVar aggregate classification (germline): Uncertain significance (1 of 4 stars; one submission).

Conditions:
Autoimmune lymphoproliferative syndrome type 2A (ALPS2A). Also called: CASP10-Related Autoimmune Lymphoproliferative Syndrome; AUTOIMMUNE LYMPHOPROLIFERATIVE SYNDROME, TYPE IIA; Autoimmune lymphoproliferative syndrome type 2. Identifiers: Orphanet 3261, MedGen C1858968, MONDO:0011383, OMIM 603909.

Submission:

Labcorp Genetics (formerly Invitae), Labcorp
Classification: Uncertain significance for Autoimmune lymphoproliferative syndrome type 2A. Last evaluated: 2025-02-27. Review status: criteria provided, single submitter. Criteria: Invitae Variant Classification Sherloc (09022015). Collection method: clinical testing. Allele origin: germline.
Comment: This sequence change replaces histidine, which is basic and polar, with arginine, which is basic and polar, at codon 358 of the CASP10 protein (p.His358Arg). This variant is present in population databases (rs752267605, gnomAD 0.0009%). This variant has not been reported in the literature in individuals affected with CASP10-related conditions. Invitae Evidence Modeling of protein sequence and biophysical properties (such as structural, functional, and spatial information, amino acid conservation, physicochemical variation, residue mobility, and thermodynamic stability) indicates that this missense variant is not expected to disrupt CASP10 protein function with a negative predictive value of 80%. In summary, the available evidence is currently insufficient to determine the role of this variant in disease. Therefore, it has been classified as a Variant of Uncertain Significance.

NM_032977.4(CASP10):c.1073A>G (p.His358Arg)

Gene: CASP10 (caspase 10; plus strand). Cytogenetic location: 2q33.1.
Variant type: single nucleotide variant.
Coding change: c.1073A>G on transcript NM_032977.4 (MANE Select); coding-DNA position 1073, A replaced by G.
Protein change: p.His358Arg; replaces histidine 358 with arginine.
Molecular consequence: missense variant. On other transcripts: 3 prime UTR variant (1).
Genome position (GRCh38, 1-based): chr2:201,209,220, A>G. VCF-style: chr2-201209220-A-G. GRCh37 (hg19) VCF-style: chr2-202073943-A-G.
Other names: c.944A>G, p.His315Arg (NM_001206542.2, NM_001230.5); c.1073A>G, p.His358Arg (NM_032974.5); c.*159A>G (NM_032976.4); c.872A>G, p.His291Arg (NM_001206524.2); short protein forms H358R, H291R, H315R.
Identifiers: ClinVar variation 4789205 (VCV004789205.1).